The following is an entry in ClinVar:

NM_004281.4(BAG3):c.286A>C (p.Ile96Leu)

Gene: BAG3 (BAG cochaperone 3; plus strand). Cytogenetic location: 10q26.11.
Variant type: single nucleotide variant.
Coding change: c.286A>C on transcript NM_004281.4 (MANE Select); coding-DNA position 286, A replaced by C.
Protein change: p.Ile96Leu; replaces isoleucine 96 with leucine.
Molecular consequence: missense variant.
Genome position (GRCh38, 1-based): chr10:119,669,956, A>C. VCF-style: chr10-119669956-A-C. GRCh37 (hg19) VCF-style: chr10-121429468-A-C.
Other names: short protein forms I96L.
Identifiers: ClinVar variation 1394015 (VCV001394015.8), dbSNP rs1299147536, ClinGen allele CA378294788.
Genomic context (GRCh38, chr10:119,669,956, plus strand): 5'-CTGCCGCCTGCTAGGGAAGGCCACCCTGTGTACCCCCAGCTCCGACCAGGCTACATTCCC[A>C]TTCCTGTGCTCCATGAAGGCGCTGAGAACCGGCAGGTGCACCCTTTCCATGTCTATCCCC-3'
Protein context (NP_004272.2, residues 86-106): YPQLRPGYIP[Ile96Leu]PVLHEGAENR

ClinVar aggregate classification (germline): Uncertain significance (1 of 4 stars; one submission).

Conditions:
Myofibrillar myopathy 6. Identifiers: Orphanet 199340, MedGen C2751831, MONDO:0013061, OMIM 612954.
Dilated cardiomyopathy 1HH (CMD1HH). Identifiers: Orphanet 154, MedGen C3151293, MONDO:0013479, OMIM 613881.

Allele frequency attached by ClinVar (database versions not stated): gnomAD exomes below 0.00001.
gnomAD v4.1: 1 of 1,614,148 alleles (0.000062%); highest among the groups gnomAD compares: Admixed American, 0.0017%; no homozygotes.

Submission:

Labcorp Genetics (formerly Invitae), Labcorp
Classification: Uncertain significance for Dilated cardiomyopathy 1HH; Myofibrillar myopathy 6. Last evaluated: 2021-01-25. Review status: criteria provided, single submitter. Criteria: Invitae Variant Classification Sherloc (09022015). Collection method: clinical testing. Allele origin: germline.
Comment: Algorithms developed to predict the effect of missense changes on protein structure and function are either unavailable or do not agree on the potential impact of this missense change (SIFT: "Deleterious"; PolyPhen-2: "Probably Damaging"; Align-GVGD: "Class C0"). In summary, the available evidence is currently insufficient to determine the role of this variant in disease. Therefore, it has been classified as a Variant of Uncertain Significance. This variant has not been reported in the literature in individuals with BAG3-related conditions. This variant is not present in population databases (ExAC no frequency). This sequence change replaces isoleucine with leucine at codon 96 of the BAG3 protein (p.Ile96Leu). The isoleucine residue is highly conserved and there is a small physicochemical difference between isoleucine and leucine.